The following is an entry in ClinVar:

NM_000094.4(COL7A1):c.6440G>T (p.Gly2147Val)

Gene: COL7A1 (collagen type VII alpha 1 chain; minus strand). Cytogenetic location: 3p21.31.
Variant type: single nucleotide variant.
Coding change: c.6440G>T on transcript NM_000094.4 (MANE Select); coding-DNA position 6440, G replaced by T.
Protein change: p.Gly2147Val; replaces glycine 2147 with valine.
Molecular consequence: missense variant.
Genome position (GRCh38, 1-based): chr3:48,574,504, C>A on the plus strand (G>T on the coding strand, the complement: COL7A1 is on the minus strand). VCF-style: chr3-48574504-C-A. GRCh37 (hg19) VCF-style: chr3-48611937-C-A.
Other names: short protein forms G2147V.
Identifiers: ClinVar variation 3589255 (VCV003589255.2).
Genomic context (GRCh38, chr3:48,574,504, plus strand): 5'-GAGCCACCTTCTTGCACATGTGTGGCTGTTGGGCAAGGACTTACCGGGTTGCCGTCCTGA[C>A]CCCTCGGTCCAGGCTCTCCCCGGTCTCCTTTGATGCCTGGCACACCCTGAAGGCAGAGTG-3'
Protein context (NP_000085.1, residues 2137-2157): KGDRGEPGPR[Gly2147Val]QDGNPGLPGE

ClinVar aggregate classification (germline): Conflicting classifications of pathogenicity. Review status: criteria provided, conflicting classifications (1 of 4 stars). 2 submissions from 2 submitters: Likely pathogenic (1); Uncertain significance (1). Last evaluated 2025-10-08.

Conditions:
Nonsyndromic congenital nail disorder 8. Also called: TOENAIL DYSTROPHY, ISOLATED. Identifiers: MedGen C1843761, MONDO:0011852, OMIM 607523.
Recessive dystrophic epidermolysis bullosa (RDEB). Also called: severe generalized recessive dystrophic epidermolysis bullosa; EPIDERMOLYSIS BULLOSA DYSTROPHICA, GENERALIZED SEVERE, AUTOSOMAL RECESSIVE; DYSTROPHIC EPIDERMOLYSIS BULLOSA, AUTOSOMAL RECESSIVE; EPIDERMOLYSIS BULLOSA DYSTROPHICA, HALLOPEAU-SIEMENS TYPE; epidermolysis bullosa dystrophica, autosomal recessive; Recessive DEB (RDEB). Identifiers: Orphanet 79408, Orphanet 79409, MedGen C0079474, MONDO:0009179, OMIM 226600.
Dominant dystrophic epidermolysis bullosa with absence of skin. Also called: EPIDERMOLYSIS BULLOSA WITH CONGENITAL LOCALIZED ABSENCE OF SKIN AND DEFORMITY OF NAILS; EPIDERMOLYSIS BULLOSA DYSTROPHICA, BART TYPE. Identifiers: MedGen C0268371, MONDO:0007557, OMIM 132000.
Generalized dominant dystrophic epidermolysis bullosa (DDEB). Also called: Dominant DEB (DDEB); DDEB, generalized; DDEB-gen; DYSTROPHIC EPIDERMOLYSIS BULLOSA, AUTOSOMAL DOMINANT; Epidermolysis bullosa dystrophica, autosomal dominant. Identifiers: Orphanet 231568, MedGen C0432322, MONDO:0007549, OMIM 131750.
Epidermolysis bullosa pruriginosa. Also called: DEB, PRURIGINOSA; DYSTROPHIC EPIDERMOLYSIS BULLOSA PRURIGINOSA. Identifiers: Orphanet 89843, MedGen C1275114, MONDO:0011398, OMIM 604129.
Transient bullous dermolysis of the newborn (TBDN). Also called: DYSTROPHIC EPIDERMOLYSIS BULLOSA, NEONATAL; EPIDERMOLYSIS BULLOSA DYSTROPHICA, NEONATAL FORM. Identifiers: Orphanet 79411, MedGen C1851573, MONDO:0007548, OMIM 131705.
Pretibial dystrophic epidermolysis bullosa. Also called: Pretibial epidermolysis bullosa; EPIDERMOLYSIS BULLOSA DYSTROPHICA, PRETIBIAL; Pretibial blistering. Identifiers: Orphanet 79410, MedGen C0432321, MONDO:0007552, OMIM 131850, HP:0012221.

gnomAD v4.1: 11 of 1,614,100 alleles (0.00068%); highest among the groups gnomAD compares: South Asian, 0.0033%; no homozygotes.

Submissions (2):

Labcorp Genetics (formerly Invitae), Labcorp
Classification: Uncertain significance. Last evaluated: 2025-10-08. Review status: criteria provided, single submitter. Criteria: Invitae Variant Classification Sherloc (09022015). Collection method: clinical testing. Allele origin: germline.
Comment: This sequence change replaces glycine, which is neutral and non-polar, with valine, which is neutral and non-polar, at codon 2147 of the COL7A1 protein (p.Gly2147Val). This variant is present in population databases (rs760834801, gnomAD 0.01%). This variant has not been reported in the literature in individuals affected with COL7A1-related conditions. ClinVar contains an entry for this variant (Variation ID: 3589255). Invitae Evidence Modeling of protein sequence and biophysical properties (such as structural, functional, and spatial information, amino acid conservation, physicochemical variation, residue mobility, and thermodynamic stability) indicates that this missense variant is expected to disrupt COL7A1 protein function with a positive predictive value of 95%. This variant disrupts the triple helix domain of COL7A1. Glycine residues within the Gly-Xaa-Yaa repeats of the triple helix domain are required for the structure and stability of fibrillar collagens (PMID: 7695699, 8218237, 19344236), and variants at these glycine residues in COL7A1 are more frequently observed in individuals with disease than in the general population (PMID: 22058051). However, the clinical significance of this observation remains uncertain since only a limited number of affected individuals have been described to date. In summary, the available evidence is currently insufficient to determine the role of this variant in disease. Therefore, it has been classified as a Variant of Uncertain Significance.

Fulgent Genetics
Classification: Likely pathogenic for Transient bullous dermolysis of the newborn; Generalized dominant dystrophic epidermolysis bullosa; Pretibial dystrophic epidermolysis bullosa; Dominant dystrophic epidermolysis bullosa with absence of skin; Recessive dystrophic epidermolysis bullosa; Epidermolysis bullosa pruriginosa; Nonsyndromic congenital nail disorder 8. Last evaluated: 2024-02-27. Review status: criteria provided, single submitter. Criteria: ACMG Guidelines, 2015. Collection method: clinical testing. Allele origin: germline.

Literature cited by the submitters: PubMed 7695699 (cited by Labcorp Genetics (formerly Invitae), Labcorp); PubMed 8218237 (cited by Labcorp Genetics (formerly Invitae), Labcorp); PubMed 19344236 (cited by Labcorp Genetics (formerly Invitae), Labcorp); PubMed 22058051 (cited by Labcorp Genetics (formerly Invitae), Labcorp).